The following is an entry in ClinVar:

NM_001130009.3(GEN1):c.1096T>C (p.Trp366Arg)

Gene: GEN1 (GEN1 structure-specific endonuclease; plus strand). Cytogenetic location: 2p24.2.
Variant type: single nucleotide variant.
Coding change: c.1096T>C on transcript NM_001130009.3 (MANE Select); coding-DNA position 1096, T replaced by C.
Protein change: p.Trp366Arg; replaces tryptophan 366 with arginine.
Molecular consequence: missense variant.
Genome position (GRCh38, 1-based): chr2:17,774,295, T>C. VCF-style: chr2-17774295-T-C. GRCh37 (hg19) VCF-style: chr2-17955562-T-C.
Other names: c.1096T>C, p.Trp366Arg (NM_182625.5); short protein forms W366R.
Identifiers: ClinVar variation 1346602 (VCV001346602.8), dbSNP rs2125151847, ClinGen allele CA345920082.

ClinVar aggregate classification (germline): Uncertain significance (1 of 4 stars; one submission).

Allele frequency attached by ClinVar (database versions not stated): gnomAD exomes below 0.00001.
gnomAD v4.1: 2 of 1,570,280 alleles (0.00013%); highest among the groups gnomAD compares: Non-Finnish European, 0.00017%; no homozygotes.

Submission:

Labcorp Genetics (formerly Invitae), Labcorp
Classification: Uncertain significance. Last evaluated: 2021-02-18. Review status: criteria provided, single submitter. Criteria: Invitae Variant Classification Sherloc (09022015). Collection method: clinical testing. Allele origin: germline.
Comment: In summary, the available evidence is currently insufficient to determine the role of this variant in disease. Therefore, it has been classified as a Variant of Uncertain Significance. Algorithms developed to predict the effect of missense changes on protein structure and function are either unavailable or do not agree on the potential impact of this missense change (SIFT: "Deleterious"; PolyPhen-2: "Probably Damaging"; Align-GVGD: "Class C0"). This variant has not been reported in the literature in individuals with GEN1-related conditions. This variant is not present in population databases (ExAC no frequency). This sequence change replaces tryptophan with arginine at codon 366 of the GEN1 protein (p.Trp366Arg). The tryptophan residue is highly conserved and there is a moderate physicochemical difference between tryptophan and arginine.